The following is an entry in ClinVar:

ClinVar aggregate classification (germline): Uncertain significance (1 of 4 stars; one submission).

Submission:

Labcorp Genetics (formerly Invitae), Labcorp
Classification: Uncertain significance. Last evaluated: 2022-11-15. Review status: criteria provided, single submitter. Criteria: Invitae Variant Classification Sherloc (09022015). Collection method: clinical testing. Allele origin: germline.
Comment: In summary, the available evidence is currently insufficient to determine the role of this variant in disease. Therefore, it has been classified as a Variant of Uncertain Significance. Advanced modeling of protein sequence and biophysical properties (such as structural, functional, and spatial information, amino acid conservation, physicochemical variation, residue mobility, and thermodynamic stability) performed at Invitae indicates that this missense variant is expected to disrupt CACNA1D protein function. This variant has not been reported in the literature in individuals affected with CACNA1D-related conditions. This variant is not present in population databases (gnomAD no frequency). This sequence change replaces aspartic acid, which is acidic and polar, with histidine, which is basic and polar, at codon 235 of the CACNA1D protein (p.Asp235His).

NM_001128840.3(CACNA1D):c.703G>C (p.Asp235His)

Gene: CACNA1D (calcium voltage-gated channel subunit alpha1 D; plus strand). Cytogenetic location: 3p21.1.
Variant type: single nucleotide variant.
Coding change: c.703G>C on transcript NM_001128840.3 (MANE Select); coding-DNA position 703, G replaced by C.
Protein change: p.Asp235His; replaces aspartic acid 235 with histidine.
Molecular consequence: missense variant.
Genome position (GRCh38, 1-based): chr3:53,660,212, G>C. VCF-style: chr3-53660212-G-C. GRCh37 (hg19) VCF-style: chr3-53694239-G-C.
Other names: c.703G>C, p.Asp235His (NM_000720.4, NM_001128839.3); short protein forms D235H.
Identifiers: ClinVar variation 1717037 (VCV001717037.5), dbSNP rs2472956945, ClinGen allele CA353382563.
Genomic context (GRCh38, chr3:53,660,212, plus strand): 5'-GAACAATTAACCAAAGAAACAGAAGGCGGGAACCACTCAAGCGGCAAATCTGGAGGCTTT[G>C]ATGTCAAAGCCCTCCGTGCCTTTCGAGTGTTGCGACCACTTCGACTAGTGTCAGGAGTGC-3'
Protein context (NP_001122312.1, residues 225-245): NHSSGKSGGF[Asp235His]VKALRAFRVL